The following is an entry in ClinVar:

NM_001943.5(DSG2):c.2525G>A (p.Gly842Asp)

Genes: DSG2 (desmoglein 2; plus strand), DSG2-AS1 (DSG2 antisense RNA 1; minus strand). Cytogenetic location: 18q12.1.
Variant type: single nucleotide variant.
Coding change: c.2525G>A on transcript NM_001943.5 (MANE Select); coding-DNA position 2525, G replaced by A.
Protein change: p.Gly842Asp; replaces glycine 842 with aspartic acid.
Molecular consequence: missense variant.
Genome position (GRCh38, 1-based): chr18:31,545,911, G>A. VCF-style: chr18-31545911-G-A. GRCh37 (hg19) VCF-style: chr18-29125874-G-A.
Other names: short protein forms G842D.
Identifiers: ClinVar variation 1038063 (VCV001038063.15), dbSNP rs374177723, ClinGen allele CA046305.

ClinVar aggregate classification (germline): Uncertain significance. Review status: criteria provided, multiple submitters, no conflicts (2 of 4 stars). 6 submissions from 6 submitters: Uncertain significance (6). Last evaluated 2026-01-05.

Conditions:
Arrhythmogenic right ventricular dysplasia 10. Also called: Arrhythmogenic Right Ventricular Dysplasia/Cardiomyopathy10; ARRHYTHMOGENIC RIGHT VENTRICULAR DYSPLASIA, FAMILIAL, 10; Arrhythmogenic right ventricular dysplasia/cardiomyopathy, type 10. Identifiers: MedGen C1857777, MONDO:0012434, OMIM 610193.
Dilated cardiomyopathy 1BB (CMD1BB). Also called: CARDIOMYOPATHY, DILATED, 1BB, SUSCEPTIBILITY TO. Identifiers: Orphanet 154, MedGen C2752072, MONDO:0013030, OMIM 612877.
Cardiomyopathy (CMYO). Also called: Cardiomyopathies. Identifiers: Orphanet 167848, MedGen C0878544, MONDO:0004994, HP:0001638. Inheritance: Various modes of inheritance.
Cardiovascular phenotype. Identifiers: MedGen CN230736.
Arrhythmogenic right ventricular cardiomyopathy (ARVD). Also called: Cardiomyopathy, ARVC; Arrhythmogenic right ventricular dysplasia; Arrhythmogenic cardiomyopathy; Arrhythmogenic Right Ventricular Cardiomyopathy (ARVC). Identifiers: Orphanet 247, MedGen C0349788, MeSH D019571, MONDO:0016587. Disease mechanism: loss of function. Inheritance: Various modes of inheritance.

Allele frequency attached by ClinVar (database versions not stated): gnomAD exomes below 0.00001; ExAC 0.00001; gnomAD 0.00001; TOPMed 0.00002; ESP Exome Variant Server 0.00008.
gnomAD v4.1: 16 of 1,613,928 alleles (0.00099%); highest among the groups gnomAD compares: African/African-American, 0.0027%; no homozygotes.

Submissions (6):

Labcorp Genetics (formerly Invitae), Labcorp
Classification: Uncertain significance for Arrhythmogenic right ventricular dysplasia 10. Last evaluated: 2026-01-05. Review status: criteria provided, single submitter. Criteria: Invitae Variant Classification Sherloc (09022015). Collection method: clinical testing. Allele origin: germline.
Comment: This sequence change replaces glycine, which is neutral and non-polar, with aspartic acid, which is acidic and polar, at codon 842 of the DSG2 protein (p.Gly842Asp). This variant is present in population databases (rs374177723, gnomAD 0.01%). This variant has not been reported in the literature in individuals affected with DSG2-related conditions. ClinVar contains an entry for this variant (Variation ID: 1038063). Invitae Evidence Modeling of protein sequence and biophysical properties (such as structural, functional, and spatial information, amino acid conservation, physicochemical variation, residue mobility, and thermodynamic stability) has been performed for this missense variant. However, the output from this modeling did not meet the statistical confidence thresholds required to predict the impact of this variant on DSG2 protein function. In summary, the available evidence is currently insufficient to determine the role of this variant in disease. Therefore, it has been classified as a Variant of Uncertain Significance.

Color Diagnostics, LLC DBA Color Health
Classification: Uncertain significance for Cardiomyopathy. Last evaluated: 2025-12-26. Review status: criteria provided, single submitter. Criteria: ACMG Guidelines, 2015. Collection method: clinical testing. Allele origin: germline.
Comment: This missense variant replaces glycine with aspartic acid at codon 842 of the DSG2 protein. Computational prediction suggests that this variant may not impact protein structure and function. To our knowledge, functional studies have not been reported for this variant. This variant has not been reported in individuals affected with DSG2-related disorders in the literature. This variant has been identified in 1/249042 chromosomes in the general population by the Genome Aggregation Database (gnomAD). The available evidence is insufficient to determine the role of this variant in disease conclusively. Therefore, this variant is classified as a Variant of Uncertain Significance.

GeneDx
Classification: Uncertain significance. Last evaluated: 2024-03-24. Review status: criteria provided, single submitter. Criteria: GeneDx Variant Classification Process June 2021. Collection method: clinical testing. Allele origin: germline. Affected: yes.
Comment: Not observed at significant frequency in large population cohorts (gnomAD); In silico analysis supports that this missense variant has a deleterious effect on protein structure/function; Has not been previously published as pathogenic or benign to our knowledge

All of Us Research Program, National Institutes of Health
Classification: Uncertain significance for Arrhythmogenic right ventricular cardiomyopathy. Last evaluated: 2023-11-30. Review status: criteria provided, single submitter. Criteria: ACMG Guidelines, 2015. Collection method: clinical testing. Allele origin: germline. Inheritance: Autosomal dominant inheritance. Observed: 2 variant alleles, 2 heterozygotes.
Comment: This study involves interpretation of variants in research participants for the purpose of population health screening. Participant phenotype was not available at the time of variant classification. Additional details can be found in publication PMID: 35346344, PMCID: PMC8962531

Ambry Genetics
Classification: Uncertain significance for Cardiovascular phenotype. Last evaluated: 2023-07-24. Review status: criteria provided, single submitter. Criteria: Ambry Variant Classification Scheme 2023. Collection method: clinical testing. Allele origin: germline.
Comment: The p.G842D variant (also known as c.2525G>A), located in coding exon 15 of the DSG2 gene, results from a G to A substitution at nucleotide position 2525. The glycine at codon 842 is replaced by aspartic acid, an amino acid with similar properties. This amino acid position is conserved. In addition, this alteration is predicted to be tolerated by in silico analysis. Since supporting evidence is limited at this time, the clinical significance of this alteration remains unclear.

Fulgent Genetics
Classification: Uncertain significance for Arrhythmogenic right ventricular dysplasia 10; Dilated cardiomyopathy 1BB. Last evaluated: 2021-09-01. Review status: criteria provided, single submitter. Criteria: ACMG Guidelines, 2015. Collection method: clinical testing. Allele origin: unknown.